The following is an entry in ClinVar:

ClinVar aggregate classification (germline): Conflicting classifications of pathogenicity. Review status: criteria provided, conflicting classifications (1 of 4 stars). 7 submissions from 7 submitters: Uncertain significance (6); Likely benign (1). Last evaluated 2025-11-11.

Conditions:
Hereditary cancer-predisposing syndrome. Also called: Neoplastic Syndromes, Hereditary; Hereditary Cancer Syndrome; Hereditary neoplastic syndrome; Tumor predisposition. Identifiers: Orphanet 140162, MedGen C0027672, MeSH D009386, MONDO:0015356.
Hereditary diffuse gastric adenocarcinoma (HDGC). Also called: DIFFUSE GASTRIC AND LOBULAR BREAST CANCER SYNDROME. Identifiers: Orphanet 26106, MedGen C1708349, MONDO:0007648, OMIM 137215.
Familial cancer of breast. Also called: Hereditary breast cancer; hereditary breast carcinoma; BREAST CANCER, FAMILIAL. Identifiers: Orphanet 227535, MedGen C0346153, MONDO:0016419, OMIM 114480. Disease mechanism: loss of function.

Allele frequency attached by ClinVar (database versions not stated): ExAC 0.00001; gnomAD exomes 0.00001 and 0.00002.
gnomAD v4.1: 16 of 1,614,170 alleles (0.00099%); highest among the groups gnomAD compares: South Asian, 0.0066%; no homozygotes.

Submissions (7):

Color Diagnostics, LLC DBA Color Health
Classification: Uncertain significance for Hereditary cancer-predisposing syndrome. Last evaluated: 2025-11-11. Review status: criteria provided, single submitter. Criteria: ACMG Guidelines, 2015. Collection method: clinical testing. Allele origin: germline.
Comment: This missense variant replaces asparagine with serine at codon 867 of the CDH1 protein. To our knowledge, functional studies have not been reported for this variant. This variant has been reported in one individual each affected with childhood onset leukemia or endometrial cancer (PMID: 26580448, 27443514). This variant has been detected in a breast cancer case-control meta-analysis in 1/60466 cases and absent in 53461 unaffected individuals (PMID: 33471991LOVD DB-ID CDH1_000715). This variant has been identified in 16/1614170 chromosomes in the general population by the Genome Aggregation Database (gnomAD). The available evidence is insufficient to determine the role of this variant in disease conclusively. Therefore, this variant is classified as a Variant of Uncertain Significance.

Labcorp Genetics (formerly Invitae), Labcorp
Classification: Uncertain significance for Hereditary diffuse gastric adenocarcinoma. Last evaluated: 2025-09-19. Review status: criteria provided, single submitter. Criteria: Invitae Variant Classification Sherloc (09022015). Collection method: clinical testing. Allele origin: germline.
Comment: This sequence change replaces asparagine, which is neutral and polar, with serine, which is neutral and polar, at codon 867 of the CDH1 protein (p.Asn867Ser). This variant is present in population databases (rs587782623, gnomAD 0.01%). This missense change has been observed in individual(s) with B-Cell acute lymphoblastic leukemia and endometrial cancer (PMID: 26580448, 27443514). ClinVar contains an entry for this variant (Variation ID: 142660). An algorithm developed to predict the effect of missense changes on protein structure and function (PolyPhen-2) suggests that this variant is likely to be tolerated. In summary, the available evidence is currently insufficient to determine the role of this variant in disease. Therefore, it has been classified as a Variant of Uncertain Significance.

Ambry Genetics
Classification: Likely benign for Hereditary cancer-predisposing syndrome. Last evaluated: 2023-12-13. Review status: criteria provided, single submitter. Criteria: Ambry Variant Classification Scheme 2023. Collection method: clinical testing. Allele origin: germline.

Baylor Genetics
Classification: Uncertain significance for Familial cancer of breast. Last evaluated: 2023-10-22. Review status: criteria provided, single submitter. Criteria: ACMG Guidelines, 2015. Collection method: clinical testing. Allele origin: unknown.

GeneDx
Classification: Uncertain significance. Last evaluated: 2020-01-09. Review status: criteria provided, single submitter. Criteria: GeneDx Variant Classification Process June 2021. Collection method: clinical testing. Allele origin: germline. Affected: yes.
Comment: In silico analysis, which includes protein predictors and evolutionary conservation, supports that this variant does not alter protein structure/function; This variant is associated with the following publications: (PMID: 27443514)

Women's Health and Genetics/Laboratory Corporation of America, LabCorp
Classification: Uncertain significance. Last evaluated: 2019-10-04. Review status: criteria provided, single submitter. Criteria: LabCorp Variant Classification Summary - May 2015. Collection method: clinical testing. Allele origin: germline.
Comment: Variant summary: CDH1 c.2600A>G (p.Asn867Ser) results in a conservative amino acid change located in the cytoplasmic domain (IPR000233) of the encoded protein sequence. Four of five in-silico tools predict a benign effect of the variant on protein function. The variant allele was found at a frequency of 1.6e-05 in 251474 control chromosomes (gnomAD). The available data on variant occurrences in the general population are insufficient to allow any conclusion about variant significance. This variant has been reported in one patient affected with endometrial cancer (Ring_2016). This report does not provide unequivocal conclusions about association of the variant with Breast Cancer. To our knowledge, no experimental evidence demonstrating an impact on protein function has been reported. Four clinical diagnostic laboratories have submitted clinical-significance assessments for this variant to ClinVar after 2014 without evidence for independent evaluation. All laboratories classified the variant as uncertain significance. Based on the evidence outlined above, the variant was classified as VUS-possibly benign.

Quest Diagnostics Nichols Institute San Juan Capistrano
Classification: Uncertain significance. Last evaluated: 2017-03-18. Review status: criteria provided, single submitter. Criteria: Quest Diagnostics criteria. Collection method: clinical testing. Allele origin: germline.

Literature cited by the submitters: PubMed 26580448 (cited by 4 submitters); PubMed 27443514 (cited by 4 submitters); PubMed 33471991 (cited by Color Diagnostics, LLC DBA Color Health).

NM_004360.5(CDH1):c.2600A>G (p.Asn867Ser)

Gene: CDH1 (cadherin 1; plus strand). Cytogenetic location: 16q22.1.
Variant type: single nucleotide variant.
Coding change: c.2600A>G on transcript NM_004360.5 (MANE Select); coding-DNA position 2600, A replaced by G.
Protein change: p.Asn867Ser; replaces asparagine 867 with serine.
Molecular consequence: missense variant.
Genome position (GRCh38, 1-based): chr16:68,833,450, A>G. VCF-style: chr16-68833450-A-G. GRCh37 (hg19) VCF-style: chr16-68867353-A-G.
Other names: c.2600A>G (LRG_301t1); c.2417A>G, p.Asn806Ser (NM_001317184.2); c.1052A>G, p.Asn351Ser (NM_001317185.2); c.635A>G, p.Asn212Ser (NM_001317186.2); short protein forms N867S, N212S, N351S, N806S.
Identifiers: ClinVar variation 142660 (VCV000142660.23), dbSNP rs587782623, ClinGen allele CA169060.